The following is an entry in ClinVar:

ClinVar aggregate classification (germline): Uncertain significance (1 of 4 stars; one submission).

Conditions:
Familial meningioma. Also called: Meningioma, familial, susceptibility to. Identifiers: Orphanet 263662, MedGen C3551915, MONDO:0011789, OMIM 607174.

Submission:

Labcorp Genetics (formerly Invitae), Labcorp
Classification: Uncertain significance for Familial meningioma. Last evaluated: 2024-06-05. Review status: criteria provided, single submitter. Criteria: Invitae Variant Classification Sherloc (09022015). Collection method: clinical testing. Allele origin: germline.
Comment: This sequence change results in a frameshift in the SMARCE1 gene (p.Ser369Argfs*74). While this is not anticipated to result in nonsense mediated decay, it is expected to disrupt the last 43 amino acid(s) of the SMARCE1 protein and extend the protein by 30 additional amino acid residues. This variant is not present in population databases (gnomAD no frequency). This variant has not been reported in the literature in individuals affected with SMARCE1-related conditions. Experimental studies and prediction algorithms are not available or were not evaluated, and the functional significance of this variant is currently unknown. In summary, the available evidence is currently insufficient to determine the role of this variant in disease. Therefore, it has been classified as a Variant of Uncertain Significance.

NM_003079.5(SMARCE1):c.1105_1106dup (p.Ser369fs)

Gene: SMARCE1 (SWI/SNF related BAF chromatin remodeling complex subunit E1; minus strand). Cytogenetic location: 17q21.2.
Variant type: Microsatellite.
Coding change: c.1105_1106dup on transcript NM_003079.5 (MANE Select); coding-DNA positions 1105 to 1106, 2 bases duplicated (AG; older notation c.1105_1106dupAG).
Protein change: p.Ser369fs; shifts the reading frame from serine 369.
Molecular consequence: frameshift variant.
Genome position (GRCh38, 1-based): chr17:40,628,915-40,628,916, CT duplicated on the plus strand (AG on the coding strand, the reverse complement: SMARCE1 is on the minus strand); duplicating any 2 consecutive bases within chr17:40,628,915-40,628,919 gives the same sequence; the c. name uses the placement nearest the transcript's 3' end. VCF-style (leftmost placement, unchanged base first): chr17-40628914-A-ACT. GRCh37 (hg19) VCF-style: chr17-38785166-A-ACT.
Other names: short protein forms S369fs.
Identifiers: ClinVar variation 3655678 (VCV003655678.2).
Genomic context (GRCh38, chr17:40,628,914, plus strand): 5'-CGAGCCAGTGTTACTATCACTGGTTCCTTCCTCTGCCATACTGTCGACCCCCTCCTGCCC[A>ACT]CTCTCCTTGTCCTCAGGAGTAGACGTGCCTTCTTCACCATTCTGTTGGCTCTCTGTTGTT-3'